The following is an entry in ClinVar:

NM_001429.4(EP300):c.7119T>G (p.Leu2373=)

Gene: EP300 (E1A binding protein p300; plus strand). Cytogenetic location: 22q13.2.
Variant type: single nucleotide variant.
Coding change: c.7119T>G on transcript NM_001429.4 (MANE Select); coding-DNA position 7119, T replaced by G.
Protein change: p.Leu2373=; no amino-acid change (leucine 2373 retained).
Molecular consequence: synonymous variant.
Genome position (GRCh38, 1-based): chr22:41,178,830, T>G. VCF-style: chr22-41178830-T-G. GRCh37 (hg19) VCF-style: chr22-41574834-T-G.
Other names: c.7041T>G, p.Leu2347= (NM_001362843.2).
Identifiers: ClinVar variation 3354806 (VCV003354806.1).

ClinVar aggregate classification (germline): Likely benign (0 of 4 stars; one submission).

Conditions:
EP300-related disorder. Also called: EP300-related disorders; EP300-related condition.

gnomAD v4.1: 1 of 1,614,042 alleles (0.000062%); highest among the groups gnomAD compares: East Asian, 0.0022%; no homozygotes.

Submission:

PreventionGenetics, part of Exact Sciences
Classification: Likely benign for EP300-related condition. Last evaluated: 2021-11-26. Review status: no assertion criteria provided. Collection method: clinical testing. Allele origin: germline.
Comment: This variant is classified as likely benign based on ACMG/AMP sequence variant interpretation guidelines (Richards et al. 2015 PMID: 25741868, with internal and published modifications).